The following is an entry in ClinVar:

NM_000368.5(TSC1):c.1913A>C (p.Asp638Ala)

Gene: TSC1 (TSC complex subunit 1; minus strand). Cytogenetic location: 9q34.13.
Variant type: single nucleotide variant.
Coding change: c.1913A>C on transcript NM_000368.5 (MANE Select); coding-DNA position 1913, A replaced by C.
Protein change: p.Asp638Ala; replaces aspartic acid 638 with alanine.
Molecular consequence: missense variant. On other transcripts: non-coding transcript variant (5).
Genome position (GRCh38, 1-based): chr9:132,905,665, T>G on the plus strand (A>C on the coding strand, the complement: TSC1 is on the minus strand). VCF-style: chr9-132905665-T-G. GRCh37 (hg19) VCF-style: chr9-135781052-T-G.
Other names: c.1913A>C, p.Asp638Ala (NM_001406607.1, NM_001406592.1, NM_001406593.1 and 7 more transcripts); c.1910A>C, p.Asp637Ala (NM_001406608.1, NM_001406609.1, NM_001162426.2 and 6 more transcripts); c.1760A>C, p.Asp587Ala (NM_001406610.1, NM_001162427.2); c.1757A>C, p.Asp586Ala (NM_001406611.1, NM_001406612.1, NM_001406613.1); c.1550A>C, p.Asp517Ala (NM_001406614.1, NM_001406615.1, NM_001406616.1 and 5 more transcripts); c.962A>C, p.Asp321Ala (NM_001406626.1); c.959A>C, p.Asp320Ala (NM_001406627.1, NM_001406628.1); c.860A>C, p.Asp287Ala (NM_001406629.1, NM_001406630.1); and 1 more; short protein forms D287A, D320A, D321A, D516A, D517A, D586A, D587A, D637A.
Identifiers: ClinVar variation 4756239 (VCV004756239.1).

ClinVar aggregate classification (germline): Uncertain significance (1 of 4 stars; one submission).

Conditions:
Tuberous sclerosis syndrome (TSC). Also called: Tuberous Sclerosis Complex; Tuberous sclerosis. Identifiers: Orphanet 805, MedGen C0041341, MONDO:0001734.

Submission:

Color Diagnostics, LLC DBA Color Health
Classification: Uncertain significance for Tuberous sclerosis syndrome. Last evaluated: 2025-08-14. Review status: criteria provided, single submitter. Criteria: ACMG Guidelines, 2015. Collection method: clinical testing. Allele origin: germline.
Comment: This missense variant replaces aspartic acid with alanine at codon 638 of the TSC1 protein. Computational prediction suggests that this variant may not impact protein structure and function. To our knowledge, functional studies have not been reported for this variant. This variant has not been reported in individuals affected with TSC1-related disorders in the literature. This variant has not been identified in the general population by the Genome Aggregation Database (gnomAD). The available evidence is insufficient to determine the role of this variant in disease conclusively. Therefore, this variant is classified as a Variant of Uncertain Significance.